The following is an entry in ClinVar:

ClinVar aggregate classification (germline): Uncertain significance. Review status: criteria provided, multiple submitters, no conflicts (2 of 4 stars). 3 submissions from 3 submitters: Uncertain significance (3). Last evaluated 2025-11-01.

Conditions:
Autosomal recessive limb-girdle muscular dystrophy type 2J (LGMDR10). Also called: Limb-girdle muscular dystrophy, type 2J; MUSCULAR DYSTROPHY, LIMB-GIRDLE, AUTOSOMAL RECESSIVE 10. Identifiers: Orphanet 140922, MedGen C1837342, MONDO:0012127, OMIM 608807.
Dilated cardiomyopathy 1G (CMD1G). Identifiers: Orphanet 154, MedGen C1858763, MONDO:0011400, OMIM 604145.

Allele frequency attached by ClinVar (database versions not stated): TOPMed 0.00002.
gnomAD v4.1: 9 of 1,613,602 alleles (0.00056%); highest among the groups gnomAD compares: Middle Eastern, 0.016%; no homozygotes.

Submissions (3):

CeGaT Center for Human Genetics Tuebingen
Classification: Uncertain significance. Last evaluated: 2025-11-01. Review status: criteria provided, single submitter. Criteria: CeGaT Center For Human Genetics Tuebingen Variant Classification Criteria Version 2. Collection method: clinical testing. Allele origin: germline. Affected: yes. Observed: 1 variant allele.
Comment: TTN: PM2

Labcorp Genetics (formerly Invitae), Labcorp
Classification: Uncertain significance for Dilated cardiomyopathy 1G; Autosomal recessive limb-girdle muscular dystrophy type 2J. Last evaluated: 2016-08-31. Review status: criteria provided, single submitter. Criteria: Invitae Variant Classification Sherloc (09022015). Collection method: clinical testing. Allele origin: germline.

GeneDx
Classification: Uncertain significance. Last evaluated: 2014-04-21. Review status: criteria provided, single submitter. Criteria: GeneDx Variant Classification (06012015). Collection method: clinical testing. Allele origin: germline. Affected: yes.
Comment: Missense variants in the TTN gene are considered 'unclassified' if they are not previously reported in the literature and do not have >1% frequency in the population to be considered a polymorphism. Research indicates that truncating mutations in the TTN gene are expected to account for approximately 25% of familial and 18% of sporadic idiopathic DCM; however, truncating variants in the TTN gene have been reported in approximately 3% of reported control alleles. There has been little investigation into non-truncating variants. (Herman D et al. Truncations of titin causing dilated cardiomyopathy. N Eng J Med 366:619-628, 2012) The variant is found in CARDIOMYOPATHY panel(s).

NM_001267550.2(TTN):c.25476T>A (p.Asp8492Glu)

Gene: TTN (titin; minus strand). Cytogenetic location: 2q31.2.
Variant type: single nucleotide variant.
Coding change: c.25476T>A on transcript NM_001267550.2 (MANE Select); coding-DNA position 25476, T replaced by A.
Protein change: p.Asp8492Glu; replaces aspartic acid 8492 with glutamic acid.
Molecular consequence: missense variant. On other transcripts: intron variant (3).
Genome position (GRCh38, 1-based): chr2:178,717,258, A>T on the plus strand (T>A on the coding strand, the complement: TTN is on the minus strand). VCF-style: chr2-178717258-A-T. GRCh37 (hg19) VCF-style: chr2-179581985-A-T.
Other names: p.D8175E:GAT>GAA; c.24525T>A, p.Asp8175Glu (NM_001256850.1); c.21744T>A, p.Asp7248Glu (NM_133378.4); c.13282+20824T>A (NM_003319.4); c.13858+20824T>A (NM_133437.4); c.13657+20824T>A (NM_133432.3); short protein forms D8175E, D8492E, D7248E.
Identifiers: ClinVar variation 203337 (VCV000203337.10), dbSNP rs777349143, ClinGen allele CA312079.
Genomic context (GRCh38, chr2:178,717,258, plus strand): 5'-AGTGGCAGTATTTTCTACCAAAGTCATCTTGTAGTTGCCTCCAGGGCGAATCTCTCGGTT[A>T]TCTTTGGCCCAAGTGATTTTGATTGGTGCAGTCCCAGTTACATGACATTTAAAAGTACCA-3'
Protein context (NP_001254479.2, residues 8482-8502): TAPIKITWAK[Asp8492Glu]NREIRPGGNY